The following is an entry in ClinVar:

ClinVar aggregate classification (germline): Likely pathogenic. Review status: criteria provided, multiple submitters, no conflicts (2 of 4 stars). 3 submissions from 3 submitters: Likely pathogenic (3). Last evaluated 2025-07-15.

Conditions:
Hereditary cancer-predisposing syndrome. Also called: Tumor predisposition; Neoplastic Syndromes, Hereditary; Hereditary neoplastic syndrome; Hereditary Cancer Syndrome. Identifiers: Orphanet 140162, MedGen C0027672, MeSH D009386, MONDO:0015356.
Tumor predisposition syndrome 3 (TPDS3). Also called: Melanoma, cutaneous malignant, susceptibility to, 10; LONG TELOMERE SYNDROME, POT1-RELATED; POT1 Tumor Predisposition; Glioma susceptibility 9. Identifiers: Orphanet 618, MedGen C4014476, MONDO:0014368, OMIM 615848.

Submissions (3):

Ambry Genetics
Classification: Likely pathogenic for Hereditary cancer-predisposing syndrome. Last evaluated: 2025-07-15. Review status: criteria provided, single submitter. Criteria: Ambry Variant Classification Scheme 2023. Collection method: clinical testing. Allele origin: germline.
Comment: The c.1163+1G>A intronic variant results from a G to A substitution one nucleotide after coding exon 9 of the POT1 gene. This nucleotide position is highly conserved in available vertebrate species. In silico splice site analysis predicts that this alteration will weaken the native splice donor site; however, direct evidence is insufficient at this time (Ambry internal data). Alterations that disrupt the canonical splice site are expected to cause aberrant splicing, resulting in an abnormal protein or a transcript that is subject to nonsense-mediated mRNA decay. As such, this alteration is classified as likely pathogenic.

Labcorp Genetics (formerly Invitae), Labcorp
Classification: Likely pathogenic for Tumor predisposition syndrome 3. Last evaluated: 2025-04-08. Review status: criteria provided, single submitter. Criteria: Invitae Variant Classification Sherloc (09022015). Collection method: clinical testing. Allele origin: germline.
Comment: This sequence change affects a donor splice site in intron 13 of the POT1 gene. It is expected to disrupt RNA splicing. Variants that disrupt the donor or acceptor splice site typically lead to a loss of protein function (PMID: 16199547), and loss-of-function variants in POT1 are known to be pathogenic (PMID: 32155570). This variant is not present in population databases (gnomAD no frequency). Disruption of this splice site has been observed in individual(s) with clinical features of POT1-related conditions (internal data). ClinVar contains an entry for this variant (Variation ID: 574290). Algorithms developed to predict the effect of sequence changes on RNA splicing suggest that this variant may disrupt the consensus splice site. In summary, the currently available evidence indicates that the variant is pathogenic, but additional data are needed to prove that conclusively. Therefore, this variant has been classified as Likely Pathogenic.

Quest Diagnostics Nichols Institute San Juan Capistrano
Classification: Likely pathogenic. Last evaluated: 2023-06-28. Review status: criteria provided, single submitter. Criteria: Quest Diagnostics criteria. Collection method: clinical testing. Allele origin: unknown.
Comment: The POT1 c.1163+1G>A variant disrupts a canonical splice-donor site and is predicted to interfere with normal POT1 mRNA splicing. This variant has not been reported in individuals with POT1-related conditions in the published literature. This variant has not been reported in large, multi-ethnic general populations (Genome Aggregation Database). Based on the available information, this variant is classified as likely pathogenic.

Literature cited by the submitters: PubMed 16199547 (cited by Labcorp Genetics (formerly Invitae), Labcorp); PubMed 32155570 (cited by Labcorp Genetics (formerly Invitae), Labcorp).

NM_015450.3(POT1):c.1163+1G>A

Gene: POT1 (protection of telomeres 1; minus strand). Cytogenetic location: 7q31.33.
Variant type: single nucleotide variant.
Coding change: c.1163+1G>A on transcript NM_015450.3 (MANE Select); the canonical splice donor site of the intron after coding-DNA position 1163, G replaced by A.
Molecular consequence: splice donor variant.
Genome position (GRCh38, 1-based): chr7:124,842,806, C>T on the plus strand (G>A on the coding strand, the complement: POT1 is on the minus strand). VCF-style: chr7-124842806-C-T. GRCh37 (hg19) VCF-style: chr7-124482860-C-T.
Other names: c.770+1G>A (NM_001042594.2).
Identifiers: ClinVar variation 574290 (VCV000574290.13), dbSNP rs1562981766, ClinGen allele CA369068062.
Genomic context (GRCh38, chr7:124,842,806, plus strand): 5'-TATGTGTACATATACACACAAATAATATGAAAACGTTTGTTTTATTATGGAAAATACTCA[C>T]AGCAAATGACATTTAGGGCAATGAAGTTTAACAGACTGAAATAGTCTTCTGGGCTTATAT-3'